The following is an entry in ClinVar:

ClinVar aggregate classification (germline): Uncertain significance (1 of 4 stars; one submission).

Conditions:
Sulfite oxidase deficiency due to molybdenum cofactor deficiency type A. Also called: Molybdenum cofactor deficiency, complementation group A; Molybdenum Cofactor Deficiency A. Identifiers: Orphanet 308386, Orphanet 833, MedGen C1854988, MONDO:0009643, OMIM 252150.

Submission:

Labcorp Genetics (formerly Invitae), Labcorp
Classification: Uncertain significance for Sulfite oxidase deficiency due to molybdenum cofactor deficiency type A. Last evaluated: 2022-03-19. Review status: criteria provided, single submitter. Criteria: Invitae Variant Classification Sherloc (09022015). Collection method: clinical testing. Allele origin: germline.
Comment: In summary, the available evidence is currently insufficient to determine the role of this variant in disease. Therefore, it has been classified as a Variant of Uncertain Significance. Algorithms developed to predict the effect of missense changes on protein structure and function (SIFT, PolyPhen-2, Align-GVGD) all suggest that this variant is likely to be disruptive. ClinVar contains an entry for this variant (Variation ID: 1034491). This variant has not been reported in the literature in individuals affected with MOCS1-related conditions. This variant is not present in population databases (gnomAD no frequency). This sequence change replaces leucine, which is neutral and non-polar, with arginine, which is basic and polar, at codon 241 of the MOCS1 protein (p.Leu241Arg).

NM_001358530.2(MOCS1):c.722T>G (p.Leu241Arg)

Gene: MOCS1 (molybdenum cofactor synthesis 1; minus strand). Cytogenetic location: 6p21.2.
Variant type: single nucleotide variant.
Coding change: c.722T>G on transcript NM_001358530.2 (MANE Select); coding-DNA position 722, T replaced by G.
Protein change: p.Leu241Arg; replaces leucine 241 with arginine.
Molecular consequence: missense variant. On other transcripts: non-coding transcript variant (1).
Genome position (GRCh38, 1-based): chr6:39,913,352, A>C on the plus strand (T>G on the coding strand, the complement: MOCS1 is on the minus strand). VCF-style: chr6-39913352-A-C. GRCh37 (hg19) VCF-style: chr6-39881096-A-C.
Other names: c.722T>G, p.Leu241Arg (NM_001075098.4, NM_001358529.2, NM_005943.6); c.461T>G, p.Leu154Arg (NM_001358531.2, NM_001358533.2, NM_001358534.2); short protein forms L241R, L154R.
Identifiers: ClinVar variation 1034491 (VCV001034491.8), dbSNP rs1767453228, ClinGen allele CA364043914.
Genomic context (GRCh38, chr6:39,913,352, plus strand): 5'-CCTCAACCCATCCCTGGTCACTGACCATCAAAGGGCATATACTCTATGAAGCGCACATCC[A>C]GGGGGAGGCCCTCAGTCAAGGCCGCAAAGTCCAGGAGTTCATCCTCGTTAAGGCCTCGCA-3'
Protein context (NP_001345459.1, residues 231-251): DFAALTEGLP[Leu241Arg]DVRFIEYMPF